The following is an entry in ClinVar:

ClinVar aggregate classification (germline): Uncertain significance (1 of 4 stars; one submission).

Allele frequency attached by ClinVar (database versions not stated): gnomAD 0.00002; ExAC 0.00004.

Submission:

Laboratory for Molecular Medicine, Mass General Brigham Personalized Medicine
Classification: Uncertain significance. Last evaluated: 2016-10-25. Review status: criteria provided, single submitter. Criteria: LMM Criteria. Collection method: clinical testing. Allele origin: germline. Observed: 1 variant allele.
Comment: The p.Glu303Lys variant in TECTA has not been previously reported in individuals with hearing loss, but has been identified in 2/6614 Finnish chromosomes by the Exome Aggregation Consortium (ExAC; dbSNP rs774 583320). Although this variant has been seen in the general population, its freq uency is not high enough to rule out a pathogenic role. Computational prediction tools and conservation analyses suggest that this variant may impact the protei n, though this information is not predictive enough to determine pathogenicity. In summary, the clinical significance of the p.Glu303Lys variant is uncertain.

NM_005422.4(TECTA):c.907G>A (p.Glu303Lys)

Genes: TBCEL-TECTA (TBCEL-TECTA readthrough; plus strand), TECTA (tectorin alpha; plus strand). Cytogenetic location: 11q23.3.
Variant type: single nucleotide variant.
Coding change: c.907G>A on transcript NM_005422.4 (MANE Select); coding-DNA position 907, G replaced by A.
Protein change: p.Glu303Lys; replaces glutamic acid 303 with lysine.
Molecular consequence: missense variant.
Genome position (GRCh38, 1-based): chr11:121,118,422, G>A. VCF-style: chr11-121118422-G-A. GRCh37 (hg19) VCF-style: chr11-120989131-G-A.
Other names: c.1864G>A, p.Glu622Lys (NM_001378761.1); short protein forms E303K, E622K.
Identifiers: ClinVar variation 505356 (VCV000505356.5), dbSNP rs774583320, ClinGen allele CA6326631.